The following is an entry in ClinVar:

ClinVar aggregate classification (germline): Uncertain significance. Review status: criteria provided, multiple submitters, no conflicts (2 of 4 stars). 2 submissions from 2 submitters: Uncertain significance (2). Last evaluated 2021-08-16.

Conditions:
Myoclonic epilepsy, juvenile, susceptibility to, 1. Also called: Myoclonic Epilepsy, Juvenile, 1; EJM1. Identifiers: MedGen C1850778, MONDO:0020752, OMIM 254770.
Absence seizure. Also called: Absence epilepsy. Identifiers: Orphanet 1941, MedGen C0014553.

Allele frequency attached by ClinVar (database versions not stated): gnomAD exomes below 0.00001 and 0.00004.
gnomAD v4.1: 50 of 1,614,196 alleles (0.0031%); highest among the groups gnomAD compares: Non-Finnish European, 0.0042%; no homozygotes.

Submissions (2):

Labcorp Genetics (formerly Invitae), Labcorp
Classification: Uncertain significance for Myoclonic epilepsy, juvenile, susceptibility to, 1; Absence seizure. Last evaluated: 2021-08-16. Review status: criteria provided, single submitter. Criteria: Invitae Variant Classification Sherloc (09022015). Collection method: clinical testing. Allele origin: germline.
Comment: This variant has not been reported in the literature in individuals affected with EFHC1-related conditions. ClinVar contains an entry for this variant (Variation ID: 205390). Algorithms developed to predict the effect of missense changes on protein structure and function (SIFT, PolyPhen-2, Align-GVGD) all suggest that this variant is likely to be disruptive. In summary, the available evidence is currently insufficient to determine the role of this variant in disease. Therefore, it has been classified as a Variant of Uncertain Significance. This variant is not present in population databases (ExAC no frequency). This sequence change replaces aspartic acid with glutamic acid at codon 270 of the EFHC1 protein (p.Asp270Glu). The aspartic acid residue is highly conserved and there is a small physicochemical difference between aspartic acid and glutamic acid.

GeneDx
Classification: Uncertain significance. Last evaluated: 2012-11-08. Review status: criteria provided, single submitter. Criteria: GeneDx Variant Classification (06012015). Collection method: clinical testing. Allele origin: germline. Affected: yes.
Comment: The Asp270Glu missense change has not been published as a mutation, nor has it been reported as a benign polymorphism to our knowledge. The NHLBI ESP Exome Variant Project has not identified Asp270Glu in approximately 6,500 individuals of European or African American ethnicity, indicating that it is not a common benign variant in these populations. Asp270Glu alters a highly conserved position in the second DM10 domain of the EFHC1 protein, and other missense mutations in this domain have been reported in association with epilepsy. Additionally, multiple in silico algorithms predict Asp270Glu may be damaging to the structure/function of the protein. However, the amino acid substitution is conservative as both Glutamic acid and Aspartic acid are negatively charged, polar amino acid residues. The variant is found in EPILEPSY panel(s).

NM_018100.4(EFHC1):c.810T>G (p.Asp270Glu)

Gene: EFHC1 (EF-hand domain containing 1; plus strand). Cytogenetic location: 6p12.2.
Variant type: single nucleotide variant.
Coding change: c.810T>G on transcript NM_018100.4 (MANE Select); coding-DNA position 810, T replaced by G.
Protein change: p.Asp270Glu; replaces aspartic acid 270 with glutamic acid.
Molecular consequence: missense variant. On other transcripts: non-coding transcript variant (1).
Genome position (GRCh38, 1-based): chr6:52,454,181, T>G. VCF-style: chr6-52454181-T-G. GRCh37 (hg19) VCF-style: chr6-52318979-T-G.
Other names: p.D270E:GAT>GAG; c.753T>G, p.Asp251Glu (NM_001172420.2); short protein forms D270E, D251E.
Identifiers: ClinVar variation 205390 (VCV000205390.8), dbSNP rs796052413, ClinGen allele CA314416.
Genomic context (GRCh38, chr6:52,454,181, plus strand): 5'-TGATACAGACAGCATGTATGGTGAATGTCGGACCTACATCATTCATTACTATCTTATGGA[T>G]GATACGGTGGAAATTCGAGAGGTCCACGAACGGAATGATGGGAGAGATCCTTTCCCACTC-3'
Protein context (NP_060570.2, residues 260-280): RTYIIHYYLM[Asp270Glu]DTVEIREVHE